The following is an entry in ClinVar:

ClinVar aggregate classification (germline): Uncertain significance (1 of 4 stars; one submission).

Submission:

Labcorp Genetics (formerly Invitae), Labcorp
Classification: Uncertain significance. Last evaluated: 2025-11-08. Review status: criteria provided, single submitter. Criteria: Invitae Variant Classification Sherloc (09022015). Collection method: clinical testing. Allele origin: germline.
Comment: This sequence change replaces glutamic acid, which is acidic and polar, with valine, which is neutral and non-polar, at codon 179 of the KCNJ11 protein (p.Glu179Val). This variant is not present in population databases (gnomAD no frequency). This variant has not been reported in the literature in individuals affected with KCNJ11-related conditions. Invitae Evidence Modeling of protein sequence and biophysical properties (such as structural, functional, and spatial information, amino acid conservation, physicochemical variation, residue mobility, and thermodynamic stability) indicates that this missense variant is expected to disrupt KCNJ11 protein function with a positive predictive value of 95%. In summary, the available evidence is currently insufficient to determine the role of this variant in disease. Therefore, it has been classified as a Variant of Uncertain Significance.

NM_000525.4(KCNJ11):c.536A>T (p.Glu179Val)

Gene: KCNJ11 (potassium inwardly rectifying channel subfamily J member 11; minus strand). Cytogenetic location: 11p15.1.
Variant type: single nucleotide variant.
Coding change: c.536A>T on transcript NM_000525.4 (MANE Select); coding-DNA position 536, A replaced by T.
Protein change: p.Glu179Val; replaces glutamic acid 179 with valine.
Molecular consequence: missense variant.
Genome position (GRCh38, 1-based): chr11:17,387,556, T>A on the plus strand (A>T on the coding strand, the complement: KCNJ11 is on the minus strand). VCF-style: chr11-17387556-T-A. GRCh37 (hg19) VCF-style: chr11-17409103-T-A.
Other names: c.275A>T, p.Glu92Val (NM_001166290.2, NM_001377296.1, NM_001377297.1); short protein forms E179V, E92V.
Identifiers: ClinVar variation 4800389 (VCV004800389.1).
Genomic context (GRCh38, chr11:17,387,556, plus strand): 5'-ATGAAGCAGAGGCGGCCGTGGCGCAGGGCGATCACCGCATGCTTGCTGAAGATGAGGGTC[T>A]CAGCCCTGCGGTGGGCTTGGGCAGTCTTCATGAAGATGCAGCCAAGCATGATGGCGTTGA-3'
Protein context (NP_000516.3, residues 169-189): MKTAQAHRRA[Glu179Val]TLIFSKHAVI